The following is an entry in ClinVar:

ClinVar aggregate classification (germline): Uncertain significance. Review status: criteria provided, multiple submitters, no conflicts (2 of 4 stars). 3 submissions from 3 submitters: Uncertain significance (3). Last evaluated 2026-01-06.

Conditions:
LZTR1-related schwannomatosis. Also called: Schwannomatosis 2; Schwannomatosis-2, susceptibility to. Identifiers: Orphanet 93921, MedGen C3810283, MONDO:0014299, OMIM 615670.
Hereditary cancer-predisposing syndrome. Also called: Neoplastic Syndromes, Hereditary; Hereditary Cancer Syndrome; Hereditary neoplastic syndrome; Tumor predisposition. Identifiers: Orphanet 140162, MedGen C0027672, MeSH D009386, MONDO:0015356.
Cardiovascular phenotype. Identifiers: MedGen CN230736.

Allele frequency attached by ClinVar (database versions not stated): gnomAD exomes 0.00001.
gnomAD v4.1: 16 of 1,589,514 alleles (0.001%); highest among the groups gnomAD compares: South Asian, 0.0023%; no homozygotes.

Submissions (3):

Labcorp Genetics (formerly Invitae), Labcorp
Classification: Uncertain significance. Last evaluated: 2026-01-06. Review status: criteria provided, single submitter. Criteria: Invitae Variant Classification Sherloc (09022015). Collection method: clinical testing. Allele origin: germline.
Comment: This sequence change replaces arginine, which is basic and polar, with cysteine, which is neutral and slightly polar, at codon 294 of the LZTR1 protein (p.Arg294Cys). This variant is not present in population databases (gnomAD no frequency). This variant has not been reported in the literature in individuals affected with LZTR1-related conditions. ClinVar contains an entry for this variant (Variation ID: 1420737). Invitae Evidence Modeling of protein sequence and biophysical properties (such as structural, functional, and spatial information, amino acid conservation, physicochemical variation, residue mobility, and thermodynamic stability) indicates that this missense variant is not expected to disrupt LZTR1 protein function with a negative predictive value of 80%. In summary, the available evidence is currently insufficient to determine the role of this variant in disease. Therefore, it has been classified as a Variant of Uncertain Significance.

Baylor Genetics
Classification: Uncertain significance for LZTR1-related schwannomatosis. Last evaluated: 2023-11-23. Review status: criteria provided, single submitter. Criteria: ACMG Guidelines, 2015. Collection method: clinical testing. Allele origin: unknown.

Ambry Genetics
Classification: Uncertain significance for Cardiovascular phenotype; Hereditary cancer-predisposing syndrome. Last evaluated: 2021-12-30. Review status: criteria provided, single submitter. Criteria: Ambry Variant Classification Scheme 2023. Collection method: clinical testing. Allele origin: germline.
Comment: The p.R294C variant (also known as c.880C>T), located in coding exon 9 of the LZTR1 gene, results from a C to T substitution at nucleotide position 880. The arginine at codon 294 is replaced by cysteine, an amino acid with highly dissimilar properties. This amino acid position is highly conserved in available vertebrate species. In addition, this alteration is predicted to be deleterious by in silico analysis. Since supporting evidence is limited at this time, the clinical significance of this alteration remains unclear.

NM_006767.4(LZTR1):c.880C>T (p.Arg294Cys)

Gene: LZTR1 (leucine zipper like post translational regulator 1; plus strand). Cytogenetic location: 22q11.21.
Variant type: single nucleotide variant.
Coding change: c.880C>T on transcript NM_006767.4 (MANE Select); coding-DNA position 880, C replaced by T.
Protein change: p.Arg294Cys; replaces arginine 294 with cysteine.
Molecular consequence: missense variant.
Genome position (GRCh38, 1-based): chr22:20,991,716, C>T. VCF-style: chr22-20991716-C-T. GRCh37 (hg19) VCF-style: chr22-21346005-C-T.
Other names: short protein forms R294C.
Identifiers: ClinVar variation 1420737 (VCV001420737.9), dbSNP rs771655758, ClinGen allele CA10118654.